The following is an entry in ClinVar:

ClinVar aggregate classification (germline): Uncertain significance (1 of 4 stars; one submission).

Submission:

GeneDx
Classification: Uncertain significance. Last evaluated: 2022-01-18. Review status: criteria provided, single submitter. Criteria: GeneDx Variant Classification Process June 2021. Collection method: clinical testing. Allele origin: germline. Affected: yes.
Comment: Has not been previously published as pathogenic or benign to our knowledge; Not observed at significant frequency in large population cohorts (gnomAD); In silico analysis supports that this missense variant does not alter protein structure/function

NM_014159.7(SETD2):c.452T>C (p.Val151Ala)

Gene: SETD2 (SET domain containing 2, histone lysine methyltransferase; minus strand). Cytogenetic location: 3p21.31.
Variant type: single nucleotide variant.
Coding change: c.452T>C on transcript NM_014159.7 (MANE Select); coding-DNA position 452, T replaced by C.
Protein change: p.Val151Ala; replaces valine 151 with alanine.
Molecular consequence: missense variant. On other transcripts: non-coding transcript variant (1).
Genome position (GRCh38, 1-based): chr3:47,124,184, A>G on the plus strand (T>C on the coding strand, the complement: SETD2 is on the minus strand). VCF-style: chr3-47124184-A-G. GRCh37 (hg19) VCF-style: chr3-47165674-A-G.
Other names: c.320T>C, p.Val107Ala (NM_001349370.3); short protein forms V107A, V151A.
Identifiers: ClinVar variation 1696873 (VCV001696873.2), dbSNP rs2106722113, ClinGen allele CA352536914.